The following is an entry in ClinVar:

NM_006231.4(POLE):c.2594G>C (p.Trp865Ser)

Gene: POLE (DNA polymerase epsilon, catalytic subunit; minus strand). Cytogenetic location: 12q24.33.
Variant type: single nucleotide variant.
Coding change: c.2594G>C on transcript NM_006231.4 (MANE Select); coding-DNA position 2594, G replaced by C.
Protein change: p.Trp865Ser; replaces tryptophan 865 with serine.
Molecular consequence: missense variant.
Genome position (GRCh38, 1-based): chr12:132,664,116, C>G on the plus strand (G>C on the coding strand, the complement: POLE is on the minus strand). VCF-style: chr12-132664116-C-G. GRCh37 (hg19) VCF-style: chr12-133240702-C-G.
Other names: short protein forms W865S.
Identifiers: ClinVar variation 4882798 (VCV004882798.2).
Genomic context (GRCh38, chr12:132,664,116, plus strand): 5'-TTCTTCACATTGGTCGTCTTGAAGACAAAATTTTCTGGGAAGCTGTTGGGCAGGACGCAC[C>G]ATATACCATCTGTGTCCAGCTCTAAGGGCCTCCTTCAGAGAAAGAGAGGAGCAAGGTCGT-3'
Protein context (NP_006222.2, residues 855-875): RPLELDTDGI[Trp865Ser]CVLPNSFPEN

ClinVar aggregate classification (germline): Uncertain significance (1 of 4 stars; one submission).

Submission:

Dasa
Classification: Uncertain significance. Last evaluated: 2025-01-20. Review status: criteria provided, single submitter. Criteria: DASA Assertion Criteria. Collection method: clinical testing. Allele origin: germline.
Comment: NM_006231.4(POLE):c.2594G>C (p.Trp865Ser) is a missense variant that results in the substitution of tryptophan with serine. This variant is absent from population databases. The currently available literature and clinical evidence are not sufficient to establish a definitive association between this variant and the reported condition. Therefore, this variant is classified as a variant of uncertain significance.